The following is an entry in ClinVar:

NM_004341.5(CAD):c.2868A>G (p.Val956=)

Genes: CAD (carbamoyl-phosphate synthetase 2, aspartate transcarbamylase, and dihydroorotase; plus strand), LOC126806171 (BRD4-independent group 4 enhancer GRCh37_chr2:27454350-27455549; plus strand). Cytogenetic location: 2p23.3.
Variant type: single nucleotide variant.
Coding change: c.2868A>G on transcript NM_004341.5 (MANE Select); coding-DNA position 2868, A replaced by G.
Protein change: p.Val956=; no amino-acid change (valine 956 retained).
Molecular consequence: synonymous variant.
Genome position (GRCh38, 1-based): chr2:27,232,670, A>G. VCF-style: chr2-27232670-A-G. GRCh37 (hg19) VCF-style: chr2-27455538-A-G.
Other names: c.2679A>G, p.Val893= (NM_001306079.2).
Identifiers: ClinVar variation 755748 (VCV000755748.11), dbSNP rs145064898, ClinGen allele CA1573113.

ClinVar aggregate classification (germline): Likely benign. Review status: criteria provided, single submitter (1 of 4 stars). 2 submissions from 2 submitters: Likely benign (1). 1 of the submissions does not count toward it. Last evaluated 2026-01-11.

Conditions:
CAD-related disorder. Also called: CAD-related condition.

Allele frequency attached by ClinVar (database versions not stated): gnomAD exomes 0.00005 and 0.00006; ExAC 0.00006; ESP Exome Variant Server 0.00008; gnomAD 0.00013 and 0.00015; 1000 Genomes Project 30x 0.00016; 1000 Genomes Project 0.00020; TOPMed 0.00023.
gnomAD v4.1: 108 of 1,614,196 alleles (0.0067%); highest among the groups gnomAD compares: Admixed American, 0.035%; no homozygotes.

Submissions (2):

Labcorp Genetics (formerly Invitae), Labcorp
Classification: Likely benign. Last evaluated: 2026-01-11. Review status: criteria provided, single submitter. Criteria: Invitae Variant Classification Sherloc (09022015). Collection method: clinical testing. Allele origin: germline.

PreventionGenetics, part of Exact Sciences
Classification: Likely benign for CAD-related condition. Last evaluated: 2020-03-20. Review status: no assertion criteria provided. Collection method: clinical testing. Allele origin: germline. Not counted in ClinVar's aggregate classification.
Comment: This variant is classified as likely benign based on ACMG/AMP sequence variant interpretation guidelines (Richards et al. 2015 PMID: 25741868, with internal and published modifications).